The following is an entry in ClinVar:

ClinVar aggregate classification (germline): Likely pathogenic (1 of 4 stars; one submission).

Conditions:
Enhanced S-cone syndrome (ESCS). Identifiers: Orphanet 53540, MedGen C1849394, MONDO:0100288, MONDO:0009989.

Submission:

Natera, Inc.
Classification: Likely pathogenic for Enhanced S cone syndrome. Last evaluated: 2024-08-23. Review status: criteria provided, single submitter. Criteria: Natera Variant Classification Schema (03/2026). Collection method: clinical testing. Allele origin: germline.
Comment: The c.748-1G>T variant in NR2E3 is a canonical splice acceptor site variant predicted to affect pre-mRNA splicing, which may result in an abnormal transcript and altered protein product. This variant is expected to result in nonsense mediated decay, truncation, or a dysfunctional protein product. This variant is rare in the general population with a frequency below the threshold expected for the associated phenotype(s). Given the available evidence, this variant is classified as Likely Pathogenic.

NM_014249.4(NR2E3):c.748-1G>T

Gene: NR2E3 (nuclear receptor subfamily 2 group E member 3; plus strand). Cytogenetic location: 15q23.
Variant type: single nucleotide variant.
Coding change: c.748-1G>T on transcript NM_014249.4 (MANE Select); the canonical splice acceptor site of the intron before coding-DNA position 748, G replaced by T.
Molecular consequence: splice acceptor variant.
Genome position (GRCh38, 1-based): chr15:71,813,388, G>T. VCF-style: chr15-71813388-G-T. GRCh37 (hg19) VCF-style: chr15-72105728-G-T.
Other names: c.748-1G>T (NM_016346.4).
Identifiers: ClinVar variation 4815621 (VCV004815621.1).